The following is an entry in ClinVar:

NM_000057.4(BLM):c.2409G>A (p.Trp803Ter)

Gene: BLM (BLM RecQ like helicase; plus strand). Cytogenetic location: 15q26.1.
Variant type: single nucleotide variant.
Coding change: c.2409G>A on transcript NM_000057.4 (MANE Select); coding-DNA position 2409, G replaced by A.
Protein change: p.Trp803Ter; replaces tryptophan 803 with a stop codon.
Molecular consequence: nonsense.
Genome position (GRCh38, 1-based): chr15:90,769,440, G>A. VCF-style: chr15-90769440-G-A. GRCh37 (hg19) VCF-style: chr15-91312670-G-A.
Other names: c.2409G>A, p.Trp803Ter (NM_001287246.2, NM_001287247.2); c.1284G>A, p.Trp428Ter (NM_001287248.2); short protein forms W803*, W428*.
Identifiers: ClinVar variation 854209 (VCV000854209.10), dbSNP rs1896235438, ClinGen allele CA393845251.
Genomic context (GRCh38, chr15:90,769,440, plus strand): 5'-CTTTTTATAGAAGGAAGCTCCAAGTAGTCTGAAAAGCAGTATTTTTTTTTCCAACTAGTG[G>A]GGACATGATTTTCGTCAAGATTACAAAAGAATGAATATGCTTCGCCAGAAGTTTCCTTCT-3'

ClinVar aggregate classification (germline): Pathogenic. Review status: criteria provided, multiple submitters, no conflicts (2 of 4 stars). 2 submissions from 2 submitters: Pathogenic (2). Last evaluated 2021-10-28.

Conditions:
Bloom syndrome (BLM). Also called: Bloom-Torre-Machacek syndrome. Identifiers: Orphanet 125, MedGen C0005859, MONDO:0008876, OMIM 210900.
Hereditary cancer-predisposing syndrome. Also called: Neoplastic Syndromes, Hereditary; Hereditary Cancer Syndrome; Tumor predisposition; Hereditary neoplastic syndrome. Identifiers: Orphanet 140162, MedGen C0027672, MeSH D009386, MONDO:0015356.

Submissions (2):

Ambry Genetics
Classification: Pathogenic for Hereditary cancer-predisposing syndrome. Last evaluated: 2021-10-28. Review status: criteria provided, single submitter. Criteria: Ambry Variant Classification Scheme 2023. Collection method: clinical testing. Allele origin: germline.
Comment: The p.W803* pathogenic mutation (also known as c.2409G>A), located in coding exon 11 of the BLM gene, results from a G to A substitution at nucleotide position 2409. This changes the amino acid from a tryptophan to a stop codon within coding exon 11. This variant is considered to be rare based on population cohorts in the Genome Aggregation Database (gnomAD). This alteration is expected to result in loss of function by premature protein truncation or nonsense-mediated mRNA decay. As such, this alteration is interpreted as a disease-causing mutation.

Labcorp Genetics (formerly Invitae), Labcorp
Classification: Pathogenic for Bloom syndrome. Last evaluated: 2019-04-04. Review status: criteria provided, single submitter. Criteria: Invitae Variant Classification Sherloc (09022015). Collection method: clinical testing. Allele origin: germline.
Comment: This variant has not been reported in the literature in individuals with BLM-related conditions. This variant is not present in population databases (ExAC no frequency). This sequence change creates a premature translational stop signal (p.Trp803*) in the BLM gene. It is expected to result in an absent or disrupted protein product. For these reasons, this variant has been classified as Pathogenic. Loss-of-function variants in BLM are known to be pathogenic (PMID: 17407155).

Literature cited by the submitters: PubMed 17407155 (cited by Labcorp Genetics (formerly Invitae), Labcorp).